The following is an entry in ClinVar:

NM_012414.4(RAB3GAP2):c.3154+3A>G

Gene: RAB3GAP2 (RAB3 GTPase activating non-catalytic protein subunit 2; minus strand). Cytogenetic location: 1q41.
Variant type: single nucleotide variant.
Coding change: c.3154+3A>G on transcript NM_012414.4 (MANE Select); 3 bases into the intron after coding-DNA position 3154, A replaced by G.
Molecular consequence: intron variant.
Genome position (GRCh38, 1-based): chr1:220,164,730, T>C on the plus strand (A>G on the coding strand, the complement: RAB3GAP2 is on the minus strand). VCF-style: chr1-220164730-T-C. GRCh37 (hg19) VCF-style: chr1-220338072-T-C.
Identifiers: ClinVar variation 949315 (VCV000949315.7), dbSNP rs1658032998, ClinGen allele CA1139656600.
Genomic context (GRCh38, chr1:220,164,730, plus strand): 5'-CCTGTTAAATCAGGAAGCCTCTTTTAGATCAAACAGTGATGTTTCTAACATCTGTTTACT[T>C]ACCATTTTGAACATGTGCATTAAATATTTGCTTCAAGTGTTCTATTGACCTAACAAAAAA-3'

ClinVar aggregate classification (germline): Uncertain significance (1 of 4 stars; one submission).

Conditions:
Martsolf syndrome (MARTS). Also called: Congenital cataract with intellectual disability and hypogonadotropic hypogonadism syndrome. Identifiers: Orphanet 1387, MedGen C0796037, MONDO:0023910.
Warburg micro syndrome 2 (WARBM2). Also called: MICRO SYNDROME 2. Identifiers: Orphanet 2510, MedGen C3280214, MONDO:0013641, OMIM 614225.

Allele frequency attached by ClinVar (database versions not stated): gnomAD exomes 0.00001.
gnomAD v4.1: 4 of 1,602,900 alleles (0.00025%); highest among the groups gnomAD compares: South Asian, 0.0045%; no homozygotes.

Submission:

Labcorp Genetics (formerly Invitae), Labcorp
Classification: Uncertain significance for Martsolf syndrome; Warburg micro syndrome 2. Last evaluated: 2019-07-09. Review status: criteria provided, single submitter. Criteria: Invitae Variant Classification Sherloc (09022015). Collection method: clinical testing. Allele origin: germline.
Comment: In summary, the available evidence is currently insufficient to determine the role of this variant in disease. Therefore, it has been classified as a Variant of Uncertain Significance. Nucleotide substitutions within the consensus splice site are a relatively common cause of aberrant splicing (PMID: 17576681, 9536098). Algorithms developed to predict the effect of sequence changes on RNA splicing suggest that this variant is not likely to affect RNA splicing, but this prediction has not been confirmed by published transcriptional studies. This variant has not been reported in the literature in individuals with RAB3GAP2-related conditions. This variant is not present in population databases (ExAC no frequency). This sequence change falls in intron 27 of the RAB3GAP2 gene. It does not directly change the encoded amino acid sequence of the RAB3GAP2 protein, but it affects a nucleotide within the consensus splice site of the intron.

Literature cited by the submitters: PubMed 17576681; PubMed 9536098.